The following is an entry in ClinVar:

NM_012064.4(MIP):c.428T>C (p.Leu143Pro)

Gene: MIP (major intrinsic protein of lens fiber; minus strand). Cytogenetic location: 12q13.3.
Variant type: single nucleotide variant.
Coding change: c.428T>C on transcript NM_012064.4 (MANE Select); coding-DNA position 428, T replaced by C.
Protein change: p.Leu143Pro; replaces leucine 143 with proline.
Molecular consequence: missense variant.
Genome position (GRCh38, 1-based): chr12:56,453,688, A>G on the plus strand (T>C on the coding strand, the complement: MIP is on the minus strand). VCF-style: chr12-56453688-A-G. GRCh37 (hg19) VCF-style: chr12-56847472-A-G.
Other names: short protein forms L143P.
Identifiers: ClinVar variation 5008456 (VCV005008456.1).
Genomic context (GRCh38, chr12:56,453,688, plus strand): 5'-GCCAGGGCCACGGAGCCCAGTTGGCCATTCCGCCTCTCGTCGTATGTGGCAAAGATGCAG[A>G]GCACGAACTGGAGCGTCAGGAAGATCTCCACTGTGGTTGCCTGGCCCACGCTCACCGCAG-3'
Protein context (NP_036196.1, residues 133-153): VEIFLTLQFV[Leu143Pro]CIFATYDERR

ClinVar aggregate classification (germline): Uncertain significance (1 of 4 stars; one submission).

Submission:

GeneDx
Classification: Uncertain significance. Last evaluated: 2026-03-06. Review status: criteria provided, single submitter. Criteria: GeneDx Variant Classification Process June 2021. Collection method: clinical testing. Allele origin: germline.
Comment: Not observed at significant frequency in large population cohorts (gnomAD); In silico analysis supports that this missense variant has a deleterious effect on protein structure/function; Has not been previously published as pathogenic or benign to our knowledge